The following is an entry in ClinVar:

NM_182961.4(SYNE1):c.19483G>A (p.Val6495Met)

Gene: SYNE1 (spectrin repeat containing nuclear envelope protein 1; minus strand). Cytogenetic location: 6q25.2.
Variant type: single nucleotide variant.
Coding change: c.19483G>A on transcript NM_182961.4 (MANE Select); coding-DNA position 19483, G replaced by A.
Protein change: p.Val6495Met; replaces valine 6495 with methionine.
Molecular consequence: missense variant.
Genome position (GRCh38, 1-based): chr6:152,249,250, C>T on the plus strand (G>A on the coding strand, the complement: SYNE1 is on the minus strand). VCF-style: chr6-152249250-C-T. GRCh37 (hg19) VCF-style: chr6-152570385-C-T.
Other names: c.19483G>A (NM_182961.2); c.19270G>A, p.Val6424Met (NM_033071.5); short protein forms V6424M, V6495M.
Identifiers: ClinVar variation 655739 (VCV000655739.8), dbSNP rs553508431, ClinGen allele CA4054660.

ClinVar aggregate classification (germline): Uncertain significance. Review status: criteria provided, multiple submitters, no conflicts (2 of 4 stars). 3 submissions from 3 submitters: Uncertain significance (3). Last evaluated 2025-06-11.

Conditions:
Emery-Dreifuss muscular dystrophy 4, autosomal dominant (EDMD4). Also called: EMERY-DREIFUSS MUSCULAR DYSTROPHY 4 WITH VARIABLE FEATURES. Identifiers: Orphanet 261, MedGen C2751807, MONDO:0013071, OMIM 612998.
Autosomal recessive ataxia, Beauce type. Also called: Spinocerebellar ataxia, autosomal recessive 8; ATAXIA, RECESSIVE, OF BEAUCE; SYNE1-Related Autosomal Recessive Cerebellar Ataxia; SYNE1 Deficiency. Identifiers: Orphanet 88644, MedGen C1853116, MONDO:0012549, OMIM 610743.

Allele frequency attached by ClinVar (database versions not stated): ExAC 0.00001; gnomAD 0.00003; TOPMed 0.00004.
gnomAD v4.1: 58 of 1,610,522 alleles (0.0036%); highest among the groups gnomAD compares: East Asian, 0.076%; 1 homozygote.

Submissions (3):

Athena Diagnostics
Classification: Uncertain significance. Last evaluated: 2025-06-11. Review status: criteria provided, single submitter. Criteria: Athena Diagnostics Criteria. Collection method: clinical testing. Allele origin: unknown.
Comment: Available data are insufficient to determine the clinical significance of the variant at this time. The frequency of this variant in the general population is uninformative in assessment of its pathogenicity. Polyphen and MutationTaster predict this amino acid change may be benign.

Labcorp Genetics (formerly Invitae), Labcorp
Classification: Uncertain significance for Emery-Dreifuss muscular dystrophy 4, autosomal dominant; Autosomal recessive ataxia, Beauce type. Last evaluated: 2024-07-01. Review status: criteria provided, single submitter. Criteria: Invitae Variant Classification Sherloc (09022015). Collection method: clinical testing. Allele origin: germline.
Comment: This sequence change replaces valine, which is neutral and non-polar, with methionine, which is neutral and non-polar, at codon 6424 of the SYNE1 protein (p.Val6424Met). This variant is present in population databases (rs553508431, gnomAD 0.04%). This variant has not been reported in the literature in individuals affected with SYNE1-related conditions. ClinVar contains an entry for this variant (Variation ID: 655739). An algorithm developed to predict the effect of missense changes on protein structure and function (PolyPhen-2) suggests that this variant¬¨‚Ä†is likely to be tolerated. In summary, the available evidence is currently insufficient to determine the role of this variant in disease. Therefore, it has been classified as a Variant of Uncertain Significance.

Revvity Omics, Revvity
Classification: Uncertain significance. Last evaluated: 2019-03-21. Review status: criteria provided, single submitter. Criteria: ACMG Guidelines, 2015. Collection method: clinical testing. Allele origin: germline.